The following is an entry in ClinVar:

NM_001385875.1(ZFYVE27):c.1061C>T (p.Ser354Leu)

Gene: ZFYVE27 (zinc finger FYVE-type containing 27; plus strand). Cytogenetic location: 10q24.2.
Variant type: single nucleotide variant.
Coding change: c.1061C>T on transcript NM_001385875.1 (MANE Select); coding-DNA position 1061, C replaced by T.
Protein change: p.Ser354Leu; replaces serine 354 with leucine.
Molecular consequence: missense variant. On other transcripts: non-coding transcript variant (16).
Genome position (GRCh38, 1-based): chr10:97,757,283, C>T. VCF-style: chr10-97757283-C-T. GRCh37 (hg19) VCF-style: chr10-99517040-C-T.
Other names: c.1076C>T (NM_001002261.3); c.959C>T, p.Ser320Leu (NM_001385887.1, NM_001385888.1, NM_001385886.1); c.944C>T, p.Ser315Leu (NM_001385889.1, NM_001174119.2); c.872C>T, p.Ser291Leu (NM_001385890.1, NM_001385891.1); c.857C>T, p.Ser286Leu (NM_001385892.1); c.851C>T, p.Ser284Leu (NM_001385893.1, NM_001385894.1, NM_001385895.1); c.836C>T, p.Ser279Leu (NM_001385896.1, NM_001385897.1, NM_001385898.1); c.1076C>T, p.Ser359Leu (NM_001002261.4, NM_001385871.1); and 15 more; short protein forms S273L, S275L, S229L, S254L, S261L, S266L, S279L, S286L.
Identifiers: ClinVar variation 2884500 (VCV002884500.4), dbSNP rs368208975, ClinGen allele CA5635434.

ClinVar aggregate classification (germline): Uncertain significance. Review status: criteria provided, multiple submitters, no conflicts (2 of 4 stars). 2 submissions from 2 submitters: Uncertain significance (2). Last evaluated 2024-10-01.

Conditions:
Spastic paraplegia. Identifiers: MedGen C0037772, HP:0001258.

Allele frequency attached by ClinVar (database versions not stated): ExAC 0.00002; TOPMed 0.00003; gnomAD 0.00004; gnomAD exomes 0.00004.
gnomAD v4.1: 60 of 1,613,984 alleles (0.0037%); highest among the groups gnomAD compares: South Asian, 0.023%; no homozygotes.

Submissions (2):

Ambry Genetics
Classification: Uncertain significance. Last evaluated: 2024-10-01. Review status: criteria provided, single submitter. Criteria: Ambry Variant Classification Scheme 2023. Collection method: clinical testing. Allele origin: germline.

Labcorp Genetics (formerly Invitae), Labcorp
Classification: Uncertain significance for Spastic paraplegia. Last evaluated: 2023-12-11. Review status: criteria provided, single submitter. Criteria: Invitae Variant Classification Sherloc (09022015). Collection method: clinical testing. Allele origin: germline.
Comment: This sequence change replaces serine, which is neutral and polar, with leucine, which is neutral and non-polar, at codon 359 of the ZFYVE27 protein (p.Ser359Leu). This variant is present in population databases (rs368208975, gnomAD 0.01%). This variant has not been reported in the literature in individuals affected with ZFYVE27-related conditions. An algorithm developed to predict the effect of missense changes on protein structure and function (PolyPhen-2) suggests that this variant is likely to be tolerated. In summary, the available evidence is currently insufficient to determine the role of this variant in disease. Therefore, it has been classified as a Variant of Uncertain Significance.